The following is an entry in ClinVar:

NM_000245.4(MET):c.134A>G (p.Asn45Ser)

Gene: MET (MET proto-oncogene, receptor tyrosine kinase; plus strand). Cytogenetic location: 7q31.2.
Variant type: single nucleotide variant.
Coding change: c.134A>G on transcript NM_000245.4 (MANE Select); coding-DNA position 134, A replaced by G.
Protein change: p.Asn45Ser; replaces asparagine 45 with serine.
Molecular consequence: missense variant. On other transcripts: intron variant (1).
Genome position (GRCh38, 1-based): chr7:116,699,218, A>G. VCF-style: chr7-116699218-A-G. GRCh37 (hg19) VCF-style: chr7-116339272-A-G.
Other names: c.134A>G, p.Asn45Ser (NM_001127500.3, NM_001324401.3); c.-91+26641A>G (NM_001324402.2); short protein forms N45S.
Identifiers: ClinVar variation 1443234 (VCV001443234.8), dbSNP rs77651398, ClinGen allele CA164887814.

ClinVar aggregate classification (germline): Uncertain significance (1 of 4 stars; one submission).

Conditions:
Renal cell carcinoma. Identifiers: Orphanet 217071, MedGen C0007134, MeSH D002292, MONDO:0005086, HP:0005584.

Allele frequency attached by ClinVar (database versions not stated): gnomAD exomes below 0.00001; gnomAD 0.00001; 1000 Genomes Project 30x 0.00016; 1000 Genomes Project 0.00020.
gnomAD v4.1: 2 of 1,613,940 alleles (0.00012%); highest among the groups gnomAD compares: East Asian, 0.0022%; no homozygotes.

Submission:

Labcorp Genetics (formerly Invitae), Labcorp
Classification: Uncertain significance for Renal cell carcinoma. Last evaluated: 2020-12-09. Review status: criteria provided, single submitter. Criteria: Invitae Variant Classification Sherloc (09022015). Collection method: clinical testing. Allele origin: germline.
Comment: This sequence change replaces asparagine with serine at codon 45 of the MET protein (p.Asn45Ser). The asparagine residue is moderately conserved and there is a small physicochemical difference between asparagine and serine. This variant is not present in population databases (ExAC no frequency). This variant has not been reported in the literature in individuals with MET-related conditions. Algorithms developed to predict the effect of missense changes on protein structure and function are either unavailable or do not agree on the potential impact of this missense change (SIFT: "Tolerated"; PolyPhen-2: "Probably Damaging"; Align-GVGD: "Class C0"). In summary, the available evidence is currently insufficient to determine the role of this variant in disease. Therefore, it has been classified as a Variant of Uncertain Significance.